The following is an entry in ClinVar:

ClinVar aggregate classification (germline): Conflicting classifications of pathogenicity. Review status: criteria provided, conflicting classifications (1 of 4 stars). 5 submissions from 5 submitters: Uncertain significance (1); Benign (1); Likely benign (3). Last evaluated 2025-07-31.

Allele frequency attached by ClinVar (database versions not stated): gnomAD exomes 0.00031 and 0.00076; ExAC 0.00094; 1000 Genomes Project 0.00120; 1000 Genomes Project 30x 0.00203; gnomAD 0.00289 and 0.00314; TOPMed 0.00315; ESP Exome Variant Server 0.00318.
gnomAD v4.1: 911 of 1,613,966 alleles (0.056%); highest among the groups gnomAD compares: African/African-American, 0.95%; 5 homozygotes.

Submissions (5):

Ambry Genetics
Classification: Uncertain significance. Last evaluated: 2025-07-31. Review status: criteria provided, single submitter. Criteria: Ambry Variant Classification Scheme 2023. Collection method: clinical testing. Allele origin: germline.

CeGaT Center for Human Genetics Tuebingen
Classification: Likely benign. Last evaluated: 2025-02-01. Review status: criteria provided, single submitter. Criteria: CeGaT Center For Human Genetics Tuebingen Variant Classification Criteria Version 2. Collection method: clinical testing. Allele origin: germline. Affected: yes. Observed: 1 variant allele.
Comment: ZNF407: BP4

Labcorp Genetics (formerly Invitae), Labcorp
Classification: Benign. Last evaluated: 2018-06-06. Review status: criteria provided, single submitter. Criteria: Invitae Variant Classification Sherloc (09022015). Collection method: clinical testing. Allele origin: germline.

Genetic Services Laboratory, University of Chicago
Classification: Likely benign. Last evaluated: 2017-01-19. Review status: criteria provided, single submitter. Criteria: ACMG Guidelines, 2015. Collection method: clinical testing. Allele origin: germline. Affected: no.

Breakthrough Genomics
Classification: Likely benign. Review status: criteria provided, single submitter. Criteria: ACMG Guidelines, 2015. Collection method: not provided. Allele origin: germline. Inheritance: Autosomal recessive inheritance. Affected: yes.

NM_017757.3(ZNF407):c.490A>G (p.Arg164Gly)

Gene: ZNF407 (zinc finger protein 407; plus strand). Cytogenetic location: 18q22.3.
Variant type: single nucleotide variant.
Coding change: c.490A>G on transcript NM_017757.3 (MANE Select); coding-DNA position 490, A replaced by G.
Protein change: p.Arg164Gly; replaces arginine 164 with glycine.
Molecular consequence: missense variant.
Genome position (GRCh38, 1-based): chr18:74,631,509, A>G. VCF-style: chr18-74631509-A-G. GRCh37 (hg19) VCF-style: chr18-72343465-A-G.
Other names: c.490A>G, p.Arg164Gly (NM_001146189.1, NM_001146190.1, NM_001384475.1); short protein forms R164G.
Identifiers: ClinVar variation 437370 (VCV000437370.24), dbSNP rs74861823, ClinGen allele CA9000203.